The following is an entry in ClinVar:

ClinVar aggregate classification (germline): Uncertain significance (1 of 4 stars; one submission).

gnomAD v4.1: 3 of 1,614,138 alleles (0.00019%); highest among the groups gnomAD compares: Non-Finnish European, 0.00025%; no homozygotes.

Submission:

Labcorp Genetics (formerly Invitae), Labcorp
Classification: Uncertain significance. Last evaluated: 2025-03-05. Review status: criteria provided, single submitter. Criteria: Invitae Variant Classification Sherloc (09022015). Collection method: clinical testing. Allele origin: germline.
Comment: This sequence change replaces methionine, which is neutral and non-polar, with valine, which is neutral and non-polar, at codon 89 of the SLC16A1 protein (p.Met89Val). This variant is present in population databases (rs770690677, gnomAD 0.0009%). This variant has not been reported in the literature in individuals affected with SLC16A1-related conditions. An algorithm developed to predict the effect of missense changes on protein structure and function (PolyPhen-2) suggests that this variant is likely to be tolerated. In summary, the available evidence is currently insufficient to determine the role of this variant in disease. Therefore, it has been classified as a Variant of Uncertain Significance.

NM_003051.4(SLC16A1):c.265A>G (p.Met89Val)

Gene: SLC16A1 (solute carrier family 16 member 1; minus strand). Cytogenetic location: 1p13.2.
Variant type: single nucleotide variant.
Coding change: c.265A>G on transcript NM_003051.4 (MANE Select); coding-DNA position 265, A replaced by G.
Protein change: p.Met89Val; replaces methionine 89 with valine.
Molecular consequence: missense variant.
Genome position (GRCh38, 1-based): chr1:112,922,086, T>C on the plus strand (A>G on the coding strand, the complement: SLC16A1 is on the minus strand). VCF-style: chr1-112922086-T-C. GRCh37 (hg19) VCF-style: chr1-113464708-T-C.
Other names: c.265A>G, p.Met89Val (NM_001166496.2); short protein forms M89V.
Identifiers: ClinVar variation 4776662 (VCV004776662.1).
Genomic context (GRCh38, chr1:112,922,086, plus strand): 5'-CGGTGTTACAGAAAGAAGCTGCAATCAAGCCACAGCCTGACAAGCAGCCACCAACAATCA[T>C]GACTATACGACTTCCATATTTATTCACCAGGATACTGCTGATAGGACCTAAAAGACAACC-3'
Protein context (NP_003042.3, residues 79-99): LVNKYGSRIV[Met89Val]IVGGCLSGCG